The following is an entry in ClinVar:

ClinVar aggregate classification (germline): Uncertain significance (1 of 4 stars; one submission).

Conditions:
Tuberous sclerosis 1 (TSC1). Identifiers: Orphanet 805, MedGen C1854465, MONDO:0008612, OMIM 191100.

Submission:

Labcorp Genetics (formerly Invitae), Labcorp
Classification: Uncertain significance for Tuberous sclerosis 1. Last evaluated: 2023-03-17. Review status: criteria provided, single submitter. Criteria: Invitae Variant Classification Sherloc (09022015). Collection method: clinical testing. Allele origin: germline.
Comment: In summary, the available evidence is currently insufficient to determine the role of this variant in disease. Therefore, it has been classified as a Variant of Uncertain Significance. Advanced modeling of protein sequence and biophysical properties (such as structural, functional, and spatial information, amino acid conservation, physicochemical variation, residue mobility, and thermodynamic stability) performed at Invitae indicates that this missense variant is not expected to disrupt TSC1 protein function. This variant has not been reported in the literature in individuals affected with TSC1-related conditions. This variant is not present in population databases (gnomAD no frequency). This sequence change replaces arginine, which is basic and polar, with lysine, which is basic and polar, at codon 901 of the TSC1 protein (p.Arg901Lys).

NM_000368.5(TSC1):c.2702G>A (p.Arg901Lys)

Gene: TSC1 (TSC complex subunit 1; minus strand). Cytogenetic location: 9q34.13.
Variant type: single nucleotide variant.
Coding change: c.2702G>A on transcript NM_000368.5 (MANE Select); coding-DNA position 2702, G replaced by A.
Protein change: p.Arg901Lys; replaces arginine 901 with lysine.
Molecular consequence: missense variant. On other transcripts: non-coding transcript variant (5).
Genome position (GRCh38, 1-based): chr9:132,897,534, C>T on the plus strand (G>A on the coding strand, the complement: TSC1 is on the minus strand). VCF-style: chr9-132897534-C-T. GRCh37 (hg19) VCF-style: chr9-135772921-C-T.
Other names: c.2702G>A, p.Arg901Lys (NM_001406596.1, NM_001406592.1, NM_001406593.1 and 2 more transcripts); c.2699G>A, p.Arg900Lys (NM_001406597.1, NM_001406598.1, NM_001406599.1 and 2 more transcripts); c.2687G>A, p.Arg896Lys (NM_001406601.1, NM_001406602.1); c.2684G>A, p.Arg895Lys (NM_001406603.1, NM_001406604.1); c.2660G>A, p.Arg887Lys (NM_001406605.1, NM_001406606.1, NM_001406607.1); c.2339G>A, p.Arg780Lys (NM_001406615.1, NM_001406616.1, NM_001406617.1 and 4 more transcripts); c.2336G>A, p.Arg779Lys (NM_001406620.1, NM_001406621.1, NM_001406622.1 and 1 more transcripts); c.2297G>A, p.Arg766Lys (NM_001406624.1); and 8 more; short protein forms R765K, R779K, R896K, R900K, R901K, R550K, R584K, R766K.
Identifiers: ClinVar variation 2846460 (VCV002846460.3), dbSNP rs2131635724, ClinGen allele CA375369420.